The following is an entry in ClinVar:

NM_030962.4(SBF2):c.2476G>A (p.Val826Ile)

Genes: SBF2 (SET binding factor 2; minus strand), LOC101928008 (uncharacterized LOC101928008; plus strand). Cytogenetic location: 11p15.4.
Variant type: single nucleotide variant.
Coding change: c.2476G>A on transcript NM_030962.4 (MANE Select); coding-DNA position 2476, G replaced by A.
Protein change: p.Val826Ile; replaces valine 826 with isoleucine.
Molecular consequence: missense variant.
Genome position (GRCh38, 1-based): chr11:9,853,600, C>T on the plus strand (G>A on the coding strand, the complement: SBF2 is on the minus strand). VCF-style: chr11-9853600-C-T. GRCh37 (hg19) VCF-style: chr11-9875147-C-T.
Other names: c.2476G>A, p.Val826Ile (NM_001386339.1); c.2347G>A, p.Val783Ile (NM_001386342.1); short protein forms V826I, V783I.
Identifiers: ClinVar variation 623763 (VCV000623763.46), dbSNP rs1564917788, ClinGen allele CA379637580.
Genomic context (GRCh38, chr11:9,853,600, plus strand): 5'-CTGGTATCATGCAATGAAGGCTCTTGATGTGATCCTGAGTAACTCCACTCTCTGTACAAA[C>T]TTTGTCAATAAATCGGGTAATGAACCGCACAACAGAATTGGCAATGTCAGTATTCTCTGA-3'
Protein context (NP_112224.1, residues 816-836): VRFITRFIDK[Val826Ile]CTESGVTQDH

ClinVar aggregate classification (germline): Conflicting classifications of pathogenicity. Review status: criteria provided, conflicting classifications (1 of 4 stars). 2 submissions from 2 submitters: Likely pathogenic (1); Uncertain significance (1). Last evaluated 2021-03-16.

Conditions:
Tip-toe gait. Also called: Toe walking. Identifiers: MedGen C0427144, HP:0030051.

Allele frequency attached by ClinVar (database versions not stated): gnomAD exomes below 0.00001; TOPMed below 0.00001.
gnomAD v4.1: 3 of 1,613,980 alleles (0.00019%); highest among the groups gnomAD compares: Non-Finnish European, 0.00025%; no homozygotes.

Submissions (2):

Practice for Gait Abnormalities, David Pomarino, Competency Network Toe Walking C/o Practice Pomarino
Classification: Likely pathogenic for Tip-toe gait. Last evaluated: 2021-03-16. Review status: criteria provided, single submitter. Criteria: ACMG Guidelines, 2015. Collection method: clinical testing. Allele origin: unknown. Affected: yes.
Comment: Hereditary motor sensory neuropathy (HMSN), also known as Charcot-Marie-Tooth Disease (CMT), is the most commonly inherited peripheral polyneuropathy. It constitutes a group of inherited, progressive, motor and sensory peripheral nerve disorders with properties of demyelination, axonal degeneration, or both. It is classified by clinical characteristics, modes of inheritance, electrophysiologic features, metabolic defects, and specific gene markers. Our patients all walk on tiptoe, so they show similar symptoms. When we genetically test them with our toe walking panel, we find that around 90 per cent of them have a genetic variant that explains their toe walking. These can be assigned, for example, to the area of myopathies (such as variants of the COL6A3 gene), the area of hereditary neuropathies (such as variants of the KMT2C gene) or the area of metabolic diseases (such as variants of the PYGM gene). In a smaller group of patients with almost identical symptoms, no abnormality is found in the genes of our panel, but spastic paraplegia can be detected. In another small group of our toe walkers, no abnormalities can be detected in the genes analysed in our toe walking panel, nor do they suffer from spastic paraplegia, as is also the case with healthy children. In contrast to these, however, they show a tiptoe gait. These patients suffer from infantile cerebral palsy, in which toe walking can also be observed.

CeGaT Center for Human Genetics Tuebingen
Classification: Uncertain significance. Last evaluated: 2018-06-01. Review status: criteria provided, single submitter. Criteria: CeGaT Center For Human Genetics Tuebingen Variant Classification Criteria Version 2. Collection method: clinical testing. Allele origin: germline. Affected: yes. Observed: 1 variant allele.

Literature cited by the submitters: PubMed 37091313 (cited by Practice for Gait Abnormalities, David Pomarino, Competency Network Toe Walking C/o Practice Pomarino).